The following is an entry in ClinVar:

ClinVar aggregate classification (germline): Likely benign. Review status: criteria provided, multiple submitters, no conflicts (2 of 4 stars). 2 submissions from 2 submitters: Likely benign (2). Last evaluated 2025-05-29.

Conditions:
Mucopolysaccharidosis type 6 (MPS6). Also called: ARSB DEFICIENCY; MPS 6; Maroteaux Lamy syndrome; ARYLSULFATASE B DEFICIENCY; MPS VI; N-ACETYLGALACTOSAMINE-4-SULFATASE DEFICIENCY. Identifiers: Orphanet 583, MedGen C0026709, MONDO:0009661, OMIM 253200.
ARSB-related disorder. Also called: ARSB-related condition.

Allele frequency attached by ClinVar (database versions not stated): gnomAD exomes below 0.00001 and 0.00001; ExAC 0.00001; gnomAD 0.00001.
gnomAD v4.1: 21 of 1,614,008 alleles (0.0013%); highest among the groups gnomAD compares: East Asian, 0.0045%; no homozygotes.

Submissions (2):

PreventionGenetics, part of Exact Sciences
Classification: Likely benign for ARSB-related condition. Last evaluated: 2025-05-29. Review status: criteria provided, single submitter. Criteria: ACMG Guidelines, 2015. Collection method: clinical testing. Allele origin: germline.
Comment: This variant is classified as likely benign based on ACMG/AMP sequence variant interpretation guidelines (Richards et al. 2015 PMID: 25741868, with internal and published modifications).

Labcorp Genetics (formerly Invitae), Labcorp
Classification: Likely benign for Mucopolysaccharidosis type 6. Last evaluated: 2023-12-19. Review status: criteria provided, single submitter. Criteria: Invitae Variant Classification Sherloc (09022015). Collection method: clinical testing. Allele origin: germline.

NM_000046.5(ARSB):c.1482C>T (p.Ile494=)

Gene: ARSB (arylsulfatase B; minus strand). Cytogenetic location: 5q14.1.
Variant type: single nucleotide variant.
Coding change: c.1482C>T on transcript NM_000046.5 (MANE Select); coding-DNA position 1482, C replaced by T.
Protein change: p.Ile494=; no amino-acid change (isoleucine 494 retained).
Molecular consequence: synonymous variant.
Genome position (GRCh38, 1-based): chr5:78,780,517, G>A on the plus strand (C>T on the coding strand, the complement: ARSB is on the minus strand). VCF-style: chr5-78780517-G-A. GRCh37 (hg19) VCF-style: chr5-78076340-G-A.
Other names: c.1482C>T (NM_000046.3).
Identifiers: ClinVar variation 1096410 (VCV001096410.10), dbSNP rs767372619, ClinGen allele CA3317977.